The following is an entry in ClinVar:

NM_001142800.2(EYS):c.1645G>T (p.Glu549Ter)

Gene: EYS (EGF-like photoreceptor maintenance factor; minus strand). Cytogenetic location: 6q12.
Variant type: single nucleotide variant.
Coding change: c.1645G>T on transcript NM_001142800.2 (MANE Select); coding-DNA position 1645, G replaced by T.
Protein change: p.Glu549Ter; replaces glutamic acid 549 with a stop codon.
Molecular consequence: nonsense.
Genome position (GRCh38, 1-based): chr6:65,335,101, C>A on the plus strand (G>T on the coding strand, the complement: EYS is on the minus strand). VCF-style: chr6-65335101-C-A. GRCh37 (hg19) VCF-style: chr6-66044994-C-A.
Other names: c.1645G>T, p.Glu549Ter (NM_001142801.2, NM_001292009.2, NM_198283.2); short protein forms E549*.
Identifiers: ClinVar variation 2907368 (VCV002907368.4), dbSNP rs1562103173, ClinGen allele CA364661167.
Genomic context (GRCh38, chr6:65,335,101, plus strand): 5'-CAGTTGTATTTTCCAGATACATGTTGCCAGCCCATCTGAGAAAACATAGATACCGATATT[C>A]CTGACTGTCTTCTTCACTCAAACAACTGCATCCATTTGCACAAATCTATAGCAACGAAAG-3'

ClinVar aggregate classification (germline): Pathogenic. Review status: criteria provided, multiple submitters, no conflicts (2 of 4 stars). 2 submissions from 2 submitters: Pathogenic (2). Last evaluated 2024-01-09.

Conditions:
Retinitis pigmentosa 25 (RP25). Identifiers: Orphanet 791, MedGen C1864446, MONDO:0011272, OMIM 602772.

Submissions (2):

Revvity Omics, Revvity
Classification: Pathogenic for Retinitis pigmentosa 25. Last evaluated: 2024-01-09. Review status: criteria provided, single submitter. Criteria: ACMG Guidelines, 2015. Collection method: clinical testing. Allele origin: germline.

Labcorp Genetics (formerly Invitae), Labcorp
Classification: Pathogenic. Last evaluated: 2023-07-13. Review status: criteria provided, single submitter. Criteria: Invitae Variant Classification Sherloc (09022015). Collection method: clinical testing. Allele origin: germline.
Comment: For these reasons, this variant has been classified as Pathogenic. Algorithms developed to predict the effect of sequence changes on RNA splicing suggest that this variant may disrupt the consensus splice site. This premature translational stop signal has been observed in individual(s) with retinitis pigmentosa (PMID: 29550188). This variant is not present in population databases (gnomAD no frequency). This sequence change creates a premature translational stop signal (p.Glu549*) in the EYS gene. It is expected to result in an absent or disrupted protein product. Loss-of-function variants in EYS are known to be pathogenic (PMID: 18836446, 20333770).

Literature cited by the submitters: PubMed 29550188 (cited by Labcorp Genetics (formerly Invitae), Labcorp); PubMed 18836446 (cited by Labcorp Genetics (formerly Invitae), Labcorp); PubMed 20333770 (cited by Labcorp Genetics (formerly Invitae), Labcorp).